The following is an entry in ClinVar:

ClinVar aggregate classification (germline): Uncertain significance (1 of 4 stars; one submission).

gnomAD v4.1: 5 of 1,612,566 alleles (0.00031%); highest among the groups gnomAD compares: Non-Finnish European, 0.00042%; no homozygotes.

Submission:

Labcorp Genetics (formerly Invitae), Labcorp
Classification: Uncertain significance. Last evaluated: 2025-09-26. Review status: criteria provided, single submitter. Criteria: Invitae Variant Classification Sherloc (09022015). Collection method: clinical testing. Allele origin: germline.
Comment: This sequence change replaces alanine, which is neutral and non-polar, with valine, which is neutral and non-polar, at codon 455 of the ACTN1 protein (p.Ala455Val). This variant is present in population databases (no rsID available, gnomAD 0.0009%). This variant has not been reported in the literature in individuals affected with ACTN1-related conditions. Invitae Evidence Modeling of protein sequence and biophysical properties (such as structural, functional, and spatial information, amino acid conservation, physicochemical variation, residue mobility, and thermodynamic stability) indicates that this missense variant is not expected to disrupt ACTN1 protein function with a negative predictive value of 80%. In summary, the available evidence is currently insufficient to determine the role of this variant in disease. Therefore, it has been classified as a Variant of Uncertain Significance.

NM_001130004.2(ACTN1):c.1364C>T (p.Ala455Val)

Gene: ACTN1 (actinin alpha 1; minus strand). Cytogenetic location: 14q24.1.
Variant type: single nucleotide variant.
Coding change: c.1364C>T on transcript NM_001130004.2 (MANE Select); coding-DNA position 1364, C replaced by T.
Protein change: p.Ala455Val; replaces alanine 455 with valine.
Molecular consequence: missense variant.
Genome position (GRCh38, 1-based): chr14:68,885,446, G>A on the plus strand (C>T on the coding strand, the complement: ACTN1 is on the minus strand). VCF-style: chr14-68885446-G-A. GRCh37 (hg19) VCF-style: chr14-69352163-G-A.
Other names: c.1364C>T, p.Ala455Val (NM_001102.4, NM_001130005.2, NM_001424012.1 and 7 more transcripts); c.1388C>T, p.Ala463Val (NM_001411035.1, NM_001424016.1); c.1169C>T, p.Ala390Val (NM_001411036.1, NM_001424026.1, NM_001424028.1); c.1490C>T, p.Ala497Val (NM_001424013.1); c.1451C>T, p.Ala484Val (NM_001424015.1); c.1361C>T, p.Ala454Val (NM_001424017.1); c.1325C>T, p.Ala442Val (NM_001424018.1); c.1301C>T, p.Ala434Val (NM_001424020.1, NM_001424022.1); and 2 more; short protein forms A390V, A434V, A454V, A463V, A484V, A442V, A455V, A180V.
Identifiers: ClinVar variation 4703851 (VCV004703851.1).
Genomic context (GRCh38, chr14:68,885,446, plus strand): 5'-GCCCCTCACCACAGGGTAGGGGTGTCTGGGGCCACCTACTTGAGCTCCTGTGCGATGGCG[G>A]CAATCTGCTCCACACGGTCCTGGTGGGCAGCCAGGTCACTCTCGAAGGCCTCATGCTTCT-3'
Protein context (NP_001123476.1, residues 445-465): AAHQDRVEQI[Ala455Val]AIAQELNELD